The following is an entry in ClinVar:

ClinVar aggregate classification (germline): Pathogenic (1 of 4 stars; one submission).

Conditions:
Primary ciliary dyskinesia 3. Identifiers: Orphanet 244, MedGen C1837618, MONDO:0012085, OMIM 608644.

Submission:

Myriad Genetics, Inc.
Classification: Pathogenic for Primary ciliary dyskinesia 3. Last evaluated: 2024-05-14. Review status: criteria provided, single submitter. Criteria: Myriad Autosomal Dominant, Autosomal Recessive and X-Linked Classification Criteria (2023). Collection method: clinical testing. Allele origin: unknown.
Comment: NM_001369.2(DNAH5):c.11382_11383ins13(V3795Cfs*14) is expected to be pathogenic in the context of primary ciliary dyskinesia, DNAH5-related. This variant is predicted to lead to an abnormal or absent protein product due to the creation of a premature termination codon in DNAH5, a gene where loss-of-function variants are known to be pathogenic. Please note: this variant was assessed in the context of healthy population screening.

NM_001369.3(DNAH5):c.11382_11383insTGTATAAGAGACA (p.Val3795fs)

Gene: DNAH5 (dynein axonemal heavy chain 5; minus strand). Cytogenetic location: 5p15.2.
Variant type: Insertion.
Coding change: c.11382_11383insTGTATAAGAGACA on transcript NM_001369.3 (MANE Select); coding-DNA positions 11382 to 11383, TGTATAAGAGACA inserted.
Protein change: p.Val3795fs; shifts the reading frame from valine 3795.
Molecular consequence: frameshift variant.
Genome position: GRCh38 VCF-style: chr5-13737324-C-CTGTCTCTTATACA. GRCh37 (hg19) VCF-style: chr5-13737433-C-CTGTCTCTTATACA.
Other names: short protein forms V3795fs.
Identifiers: ClinVar variation 5010390 (VCV005010390.1).